The following is an entry in ClinVar:

NM_016239.4(MYO15A):c.9329G>A (p.Arg3110Gln)

Gene: MYO15A (myosin XVA; plus strand). Cytogenetic location: 17p11.2.
Variant type: single nucleotide variant.
Coding change: c.9329G>A on transcript NM_016239.4 (MANE Select); coding-DNA position 9329, G replaced by A.
Protein change: p.Arg3110Gln; replaces arginine 3110 with glutamine.
Molecular consequence: missense variant.
Genome position (GRCh38, 1-based): chr17:18,159,960, G>A. VCF-style: chr17-18159960-G-A. GRCh37 (hg19) VCF-style: chr17-18063274-G-A.
Other names: short protein forms R3110Q.
Identifiers: ClinVar variation 45772 (VCV000045772.19), dbSNP rs199900657, ClinGen allele CA137027.

ClinVar aggregate classification (germline): Uncertain significance. Review status: criteria provided, multiple submitters, no conflicts (2 of 4 stars). 6 submissions from 6 submitters: Uncertain significance (6). Last evaluated 2026-06-24.

Conditions:
MYO15A-related disorder. Also called: MYO15A-related condition.
Inborn genetic diseases. Identifiers: MedGen C0950123, MeSH D030342.
Autosomal recessive nonsyndromic hearing loss 3. Also called: NEUROSENSORY NONSYNDROMIC RECESSIVE DEAFNESS 3. Identifiers: Orphanet 90636, MedGen C1838263, MONDO:0010860, OMIM 600316.

Allele frequency attached by ClinVar (database versions not stated): gnomAD 0.00004; gnomAD exomes 0.00006 and 0.00007; TOPMed 0.00009; ESP Exome Variant Server 0.00024; ExAC 0.00008.
gnomAD v4.1: 91 of 1,613,916 alleles (0.0056%); highest among the groups gnomAD compares: African/African-American, 0.011%; no homozygotes.

Submissions (6):

PreventionGenetics, part of Exact Sciences
Classification: Uncertain significance for MYO15A-related condition. Last evaluated: 2026-06-24. Review status: criteria provided, single submitter. Criteria: ACMG Guidelines, 2015. Collection method: clinical testing. Allele origin: germline.
Comment: The MYO15A c.9329G>A variant is predicted to result in the amino acid substitution p.Arg3110Gln. To our knowledge, this variant has not been reported in the literature. This variant is reported in 0.012% of alleles in individuals of European (Non-Finnish) descent in gnomAD. At this time, the clinical significance of this variant is uncertain due to the absence of conclusive functional and genetic evidence.

Labcorp Genetics (formerly Invitae), Labcorp
Classification: Uncertain significance. Last evaluated: 2024-02-23. Review status: criteria provided, single submitter. Criteria: Invitae Variant Classification Sherloc (09022015). Collection method: clinical testing. Allele origin: germline.
Comment: This sequence change replaces arginine, which is basic and polar, with glutamine, which is neutral and polar, at codon 3110 of the MYO15A protein (p.Arg3110Gln). This variant is present in population databases (rs199900657, gnomAD 0.01%). This variant has not been reported in the literature in individuals affected with MYO15A-related conditions. ClinVar contains an entry for this variant (Variation ID: 45772). Algorithms developed to predict the effect of missense changes on protein structure and function output the following: SIFT: "Not Available"; PolyPhen-2: "Not Available"; Align-GVGD: "Not Available". The glutamine amino acid residue is found in multiple mammalian species, which suggests that this missense change does not adversely affect protein function. In summary, the available evidence is currently insufficient to determine the role of this variant in disease. Therefore, it has been classified as a Variant of Uncertain Significance.

Ambry Genetics
Classification: Uncertain significance for Inborn genetic diseases. Last evaluated: 2024-01-03. Review status: criteria provided, single submitter. Criteria: Ambry Variant Classification Scheme 2023. Collection method: clinical testing. Allele origin: germline.

Illumina Laboratory Services, Illumina
Classification: Uncertain significance for Autosomal recessive nonsyndromic hearing loss 3. Last evaluated: 2018-01-13. Review status: criteria provided, single submitter. Criteria: ICSL Variant Classification Criteria 13 December 2019. Collection method: clinical testing. Allele origin: germline.

Laboratory for Molecular Medicine, Mass General Brigham Personalized Medicine
Classification: Uncertain significance. Last evaluated: 2012-12-19. Review status: criteria provided, single submitter. Criteria: LMM Criteria. Collection method: clinical testing. Allele origin: germline. Observed: 1 variant allele.
Comment: Variant classified as Uncertain Significance - Favor Benign. The Arg3110Gln vari ant in MYO15A has not been reported in the literature nor previously identified by our laboratory. Computational analyses (AlignGVGD, PolyPhen2) suggest that th e variant will not impact the protein. In addition, the arginine (Arg) variant a t position 3110 is not conserved across all mammals and distantly related specie s. Of note, the megabat has a Gln at this position. This variant has been identi fied in 0.02% (2/8462) of European American chromosomes and 0.02% (1/4218) of Af rican American chromosomes in a broad population by the NHLBI Exome sequencing p roject (dbSNP rs199900657). In summary, compu tational analyses, lack of conservation and identification of this variant in th e general population support a more likely benign role for this variant, however additional data is needed to determine its clinical significance with certainty .

Breakthrough Genomics
Classification: Uncertain significance. Review status: criteria provided, single submitter. Criteria: ACMG Guidelines, 2015. Collection method: not provided. Allele origin: germline. Inheritance: Autosomal recessive inheritance. Affected: yes.